The following is an entry in ClinVar:

NM_000541.5(SAG):c.169A>C (p.Lys57Gln)

Gene: SAG (S-antigen visual arrestin; plus strand). Cytogenetic location: 2q37.1.
Variant type: single nucleotide variant.
Coding change: c.169A>C on transcript NM_000541.5 (MANE Select); coding-DNA position 169, A replaced by C.
Protein change: p.Lys57Gln; replaces lysine 57 with glutamine.
Molecular consequence: missense variant.
Genome position (GRCh38, 1-based): chr2:233,318,783, A>C. VCF-style: chr2-233318783-A-C. GRCh37 (hg19) VCF-style: chr2-234227429-A-C.
Other names: c.169A>C (NM_000541.4); short protein forms K57Q.
Identifiers: ClinVar variation 2803307 (VCV002803307.4), dbSNP rs1418385655, ClinGen allele CA351044512.
Genomic context (GRCh38, chr2:233,318,783, plus strand): 5'-TCACTGCTCTCTCCCTCTTTTGCCTTAGATGGTGTCGTGTTGGTTGATCCTGATCTTGTG[A>C]AGGGAAAGAAAGGTGAGATGAAGCCCCTTGTCTCAGGCTGGTTTCTGGGCGGAGTGGACT-3'
Protein context (NP_000532.2, residues 47-67): GVVLVDPDLV[Lys57Gln]GKKVYVTLTC

ClinVar aggregate classification (germline): Uncertain significance. Review status: criteria provided, multiple submitters, no conflicts (2 of 4 stars). 2 submissions from 2 submitters: Uncertain significance (2). Last evaluated 2025-02-23.

Conditions:
Inborn genetic diseases. Identifiers: MedGen C0950123, MeSH D030342.

Allele frequency attached by ClinVar (database versions not stated): gnomAD exomes below 0.00001; TOPMed 0.00001.
gnomAD v4.1: 1 of 1,613,562 alleles (0.000062%); highest among the groups gnomAD compares: Non-Finnish European, 0.000085%; no homozygotes.

Submissions (2):

Ambry Genetics
Classification: Uncertain significance for Inborn genetic diseases. Last evaluated: 2025-02-23. Review status: criteria provided, single submitter. Criteria: Ambry Variant Classification Scheme 2023. Collection method: clinical testing. Allele origin: germline.

Labcorp Genetics (formerly Invitae), Labcorp
Classification: Uncertain significance. Last evaluated: 2023-03-18. Review status: criteria provided, single submitter. Criteria: Invitae Variant Classification Sherloc (09022015). Collection method: clinical testing. Allele origin: germline.
Comment: In summary, the available evidence is currently insufficient to determine the role of this variant in disease. Therefore, it has been classified as a Variant of Uncertain Significance. Advanced modeling of protein sequence and biophysical properties (such as structural, functional, and spatial information, amino acid conservation, physicochemical variation, residue mobility, and thermodynamic stability) performed at Invitae indicates that this missense variant is not expected to disrupt SAG protein function. This variant has not been reported in the literature in individuals affected with SAG-related conditions. This variant is not present in population databases (gnomAD no frequency). This sequence change replaces lysine, which is basic and polar, with glutamine, which is neutral and polar, at codon 57 of the SAG protein (p.Lys57Gln).